The following is an entry in ClinVar:

ClinVar aggregate classification (germline): Uncertain significance (1 of 4 stars; one submission).

Conditions:
Hereditary cancer-predisposing syndrome. Also called: Neoplastic Syndromes, Hereditary; Hereditary Cancer Syndrome; Hereditary neoplastic syndrome; Tumor predisposition. Identifiers: Orphanet 140162, MedGen C0027672, MeSH D009386, MONDO:0015356.

Submission:

Ambry Genetics
Classification: Uncertain significance for Hereditary cancer-predisposing syndrome. Last evaluated: 2023-04-28. Review status: criteria provided, single submitter. Criteria: Ambry Variant Classification Scheme 2023. Collection method: clinical testing. Allele origin: germline.
Comment: The p.P1314T variant (also known as c.3940C>A), located in coding exon 23 of the PTCH1 gene, results from a C to A substitution at nucleotide position 3940. The proline at codon 1314 is replaced by threonine, an amino acid with highly similar properties. This amino acid position is conserved. In addition, the in silico prediction for this alteration is inconclusive. Since supporting evidence is limited at this time, the clinical significance of this alteration remains unclear.

NM_000264.5(PTCH1):c.3940C>A (p.Pro1314Thr)

Gene: PTCH1 (patched 1; minus strand). Cytogenetic location: 9q22.32.
Variant type: single nucleotide variant.
Coding change: c.3940C>A on transcript NM_000264.5 (MANE Select); coding-DNA position 3940, C replaced by A.
Protein change: p.Pro1314Thr; replaces proline 1314 with threonine.
Molecular consequence: missense variant. On other transcripts: non-coding transcript variant (1).
Genome position (GRCh38, 1-based): chr9:95,447,316, G>T on the plus strand (C>A on the coding strand, the complement: PTCH1 is on the minus strand). VCF-style: chr9-95447316-G-T. GRCh37 (hg19) VCF-style: chr9-98209598-G-T.
Other names: c.3742C>A, p.Pro1248Thr (NM_001083602.3); c.3937C>A, p.Pro1313Thr (NM_001083603.3); c.3487C>A, p.Pro1163Thr (NM_001083604.3, NM_001083605.3, NM_001083606.3 and 1 more transcripts); c.3784C>A, p.Pro1262Thr (NM_001354918.2); short protein forms P1248T, P1163T, P1313T, P1262T, P1314T.
Identifiers: ClinVar variation 2564387 (VCV002564387.2), dbSNP rs574856671, ClinGen allele CA374110625.